The following is an entry in ClinVar:

NM_004453.4(ETFDH):c.74A>C (p.Tyr25Ser)

Gene: ETFDH (electron transfer flavoprotein dehydrogenase; plus strand). Cytogenetic location: 4q32.1.
Variant type: single nucleotide variant.
Coding change: c.74A>C on transcript NM_004453.4 (MANE Select); coding-DNA position 74, A replaced by C.
Protein change: p.Tyr25Ser; replaces tyrosine 25 with serine.
Molecular consequence: missense variant. On other transcripts: intron variant (1).
Genome position (GRCh38, 1-based): chr4:158,680,506, A>C. VCF-style: chr4-158680506-A-C. GRCh37 (hg19) VCF-style: chr4-159601658-A-C.
Other names: c.35-1689A>C (NM_001281737.2); short protein forms Y25S.
Identifiers: ClinVar variation 5037153 (VCV005037153.1).

ClinVar aggregate classification (germline): Uncertain significance (1 of 4 stars; one submission).

Submission:

GeneDx
Classification: Uncertain significance. Last evaluated: 2026-04-17. Review status: criteria provided, single submitter. Criteria: GeneDx Variant Classification Process June 2021. Collection method: clinical testing. Allele origin: germline.
Comment: Not observed at significant frequency in large population cohorts (gnomAD); In silico analysis suggests that this missense variant does not alter protein structure/function; Has not been previously published as pathogenic or benign to our knowledge; In silico analysis suggests this variant may impact gene splicing. In the absence of RNA/functional studies, the actual effect of this sequence change is unknown.